The following is an entry in ClinVar:

NM_003611.3(OFD1):c.2336G>A (p.Arg779Lys)

Gene: OFD1 (OFD1 centriole and centriolar satellite protein; plus strand). Cytogenetic location: Xp22.2.
Variant type: single nucleotide variant.
Coding change: c.2336G>A on transcript NM_003611.3 (MANE Select); coding-DNA position 2336, G replaced by A.
Protein change: p.Arg779Lys; replaces arginine 779 with lysine.
Molecular consequence: missense variant.
Genome position (GRCh38, 1-based): chrX:13,761,160, G>A. VCF-style: chrX-13761160-G-A. GRCh37 (hg19) VCF-style: chrX-13779279-G-A.
Other names: c.2336G>A (NM_003611.2); c.2216G>A, p.Arg739Lys (NM_001330209.2); c.1916G>A, p.Arg639Lys (NM_001330210.2); short protein forms R639K, R739K, R779K.
Identifiers: ClinVar variation 1960078 (VCV001960078.6), dbSNP rs2047911950, ClinGen allele CA412345027.

ClinVar aggregate classification (germline): Uncertain significance. Review status: criteria provided, multiple submitters, no conflicts (2 of 4 stars). 4 submissions from 2 submitters: Uncertain significance (4). Last evaluated 2025-06-12.

Conditions:
Joubert syndrome. Also called: CEREBELLOPARENCHYMAL DISORDER IV; JOUBERT-BOLTSHAUSER SYNDROME; Familial aplasia of the vermis. Identifiers: Orphanet 475, MedGen C5979921, MONDO:0018772.
Orofaciodigital syndrome I (OFD1). Also called: OFDS I; Papillon-Leage and Psaume Syndrome; Oral-Facial-Digital Syndrome Type I. Identifiers: Orphanet 2750, MedGen C1510460, MONDO:0010702, OMIM 311200.
Simpson-Golabi-Behmel syndrome type 2. Identifiers: Orphanet 79022, MedGen C1846175, MONDO:0010265, OMIM 300209.
Joubert syndrome 10 (JBTS10). Identifiers: Orphanet 2754, MedGen C2749019, MONDO:0010431, OMIM 300804.
Retinitis pigmentosa 23 (RP23). Identifiers: Orphanet 791, MedGen C1419610, MONDO:0010320, OMIM 300424.

Submissions (4):

Labcorp Genetics (formerly Invitae), Labcorp
Classification: Uncertain significance for Orofaciodigital syndrome I; Joubert syndrome. Last evaluated: 2025-06-12. Review status: criteria provided, single submitter. Criteria: Invitae Variant Classification Sherloc (09022015). Collection method: clinical testing. Allele origin: germline.
Comment: This sequence change replaces arginine, which is basic and polar, with lysine, which is basic and polar, at codon 779 of the OFD1 protein (p.Arg779Lys). This variant is not present in population databases (gnomAD no frequency). This variant has not been reported in the literature in individuals affected with OFD1-related conditions. ClinVar contains an entry for this variant (Variation ID: 1960078). Invitae Evidence Modeling of protein sequence and biophysical properties (such as structural, functional, and spatial information, amino acid conservation, physicochemical variation, residue mobility, and thermodynamic stability) indicates that this missense variant is not expected to disrupt OFD1 protein function with a negative predictive value of 80%. In summary, the available evidence is currently insufficient to determine the role of this variant in disease. Therefore, it has been classified as a Variant of Uncertain Significance.

Johns Hopkins Genomics, Johns Hopkins University
Classification: Uncertain significance for Retinitis pigmentosa 23. Last evaluated: 2022-12-27. Review status: criteria provided, single submitter. Criteria: ACMG Guidelines, 2015. Collection method: clinical testing. Allele origin: germline.
Comment: This OFD1 variant is absent from a large population dataset and has not been reported in ClinVar nor the literature, to our knowledge. Two bioinformatic tools queried predict that this substitution would be tolerated and the arginine residue at this position is evolutionarily conserved across many of the mammalian species assessed. We consider the clinical significance of OFD1 c.2336G>A to be uncertain at this time.

Johns Hopkins Genomics, Johns Hopkins University
Classification: Uncertain significance for Joubert syndrome 10. Last evaluated: 2022-12-27. Review status: criteria provided, single submitter. Criteria: ACMG Guidelines, 2015. Collection method: clinical testing. Allele origin: germline.
Comment: the same text as in the submission from Johns Hopkins Genomics, Johns Hopkins University above.

Johns Hopkins Genomics, Johns Hopkins University
Classification: Uncertain significance for Simpson-Golabi-Behmel syndrome type 2. Last evaluated: 2022-12-27. Review status: criteria provided, single submitter. Criteria: ACMG Guidelines, 2015. Collection method: clinical testing. Allele origin: germline.
Comment: the same text as in the submission from Johns Hopkins Genomics, Johns Hopkins University above.

Literature cited by the submitters: PubMed 35112477 (cited by Johns Hopkins Genomics, Johns Hopkins University).